The following is an entry in ClinVar:

ClinVar aggregate classification (germline): Uncertain significance (1 of 4 stars; one submission).

Conditions:
Hereditary nonpolyposis colorectal neoplasms. Identifiers: MedGen C0009405, MeSH D003123.

Submission:

Labcorp Genetics (formerly Invitae), Labcorp
Classification: Uncertain significance for Hereditary nonpolyposis colorectal neoplasms. Last evaluated: 2019-10-14. Review status: criteria provided, single submitter. Criteria: Invitae Variant Classification Sherloc (09022015). Collection method: clinical testing. Allele origin: germline.
Comment: In summary, the available evidence is currently insufficient to determine the role of this variant in disease. Therefore, it has been classified as a Variant of Uncertain Significance. Algorithms developed to predict the effect of missense changes on protein structure and function are either unavailable or do not agree on the potential impact of this missense change (SIFT: "Deleterious"; PolyPhen-2: "Probably Damaging"; Align-GVGD: "Class C0"). This variant has not been reported in the literature in individuals with MSH6-related conditions. This variant is not present in population databases (ExAC no frequency). This sequence change replaces lysine with methionine at codon 610 of the MSH6 protein (p.Lys610Met). The lysine residue is moderately conserved and there is a moderate physicochemical difference between lysine and methionine.

NM_000179.3(MSH6):c.1829A>T (p.Lys610Met)

Gene: MSH6 (mutS homolog 6; plus strand). Cytogenetic location: 2p16.3.
Variant type: single nucleotide variant.
Coding change: c.1829A>T on transcript NM_000179.3 (MANE Select); coding-DNA position 1829, A replaced by T.
Protein change: p.Lys610Met; replaces lysine 610 with methionine.
Molecular consequence: missense variant.
Genome position (GRCh38, 1-based): chr2:47,799,812, A>T. VCF-style: chr2-47799812-A-T. GRCh37 (hg19) VCF-style: chr2-48026951-A-T.
Other names: c.1439A>T, p.Lys480Met (NM_001281492.2); c.923A>T, p.Lys308Met (NM_001281493.2, NM_001281494.2); short protein forms K610M, K308M, K480M.
Identifiers: ClinVar variation 969168 (VCV000969168.10), dbSNP rs1558663145, ClinGen allele CA346749522.
Genomic context (GRCh38, chr2:47,799,812, plus strand): 5'-CCCCAGTACAAGTTTTATTTGAAAAAGGAAATCTCTCAAAGGAAACTAAAACAATTCTAA[A>T]GAGTTCATTGTCCTGTTCTCTTCAGGAAGGTCTGATACCCGGCTCCCAGTTTTGGGATGC-3'
Protein context (NP_000170.1, residues 600-620): NLSKETKTIL[Lys610Met]SSLSCSLQEG